The following is an entry in ClinVar:

ClinVar aggregate classification (germline): Uncertain significance (1 of 4 stars; one submission).

Conditions:
Familial hypobetalipoproteinemia 1. Also called: APOB-Related Familial Hypobetalipoproteinemia; Hypobetalipoproteinemia, normotriglyceridemic; Acanthocytosis with hypobetalipoproteinemia. Identifiers: MedGen C4551990, MONDO:0014252, OMIM 615558.
Hypercholesterolemia, autosomal dominant, type B (FHCL2). Also called: APOLIPOPROTEIN B-100, FAMILIAL DEFECTIVE; APOLIPOPROTEIN B-100, FAMILIAL LIGAND-DEFECTIVE; HYPERCHOLESTEROLEMIA, FAMILIAL, DUE TO LIGAND-DEFECTIVE APOLIPOPROTEIN B; Hyperlipoproteinemia Type IIb; Familial hypercholesterolemia 2; Familial Hypercholesterolemia Type B. Identifiers: MedGen C1704417, MONDO:0007751, OMIM 144010.

Submission:

Labcorp Genetics (formerly Invitae), Labcorp
Classification: Uncertain significance for Familial hypobetalipoproteinemia 1; Hypercholesterolemia, autosomal dominant, type B. Last evaluated: 2020-07-21. Review status: criteria provided, single submitter. Criteria: Invitae Variant Classification Sherloc (09022015). Collection method: clinical testing. Allele origin: germline.
Comment: In summary, the available evidence is currently insufficient to determine the role of this variant in disease. Therefore, it has been classified as a Variant of Uncertain Significance. Algorithms developed to predict the effect of missense changes on protein structure and function output the following: SIFT: "Tolerated"; PolyPhen-2: "Benign"; Align-GVGD: "Class C0". The asparagine amino acid residue is found in multiple mammalian species, suggesting that this missense change does not adversely affect protein function. These predictions have not been confirmed by published functional studies and their clinical significance is uncertain. This variant has not been reported in the literature in individuals with APOB-related conditions. This variant is not present in population databases (ExAC no frequency). This sequence change replaces histidine with asparagine at codon 2215 of the APOB protein (p.His2215Asn). The histidine residue is weakly conserved and there is a small physicochemical difference between histidine and asparagine.

NM_000384.3(APOB):c.6643C>A (p.His2215Asn)

Gene: APOB (apolipoprotein B; minus strand). Cytogenetic location: 2p24.1.
Variant type: single nucleotide variant.
Coding change: c.6643C>A on transcript NM_000384.3 (MANE Select); coding-DNA position 6643, C replaced by A.
Protein change: p.His2215Asn; replaces histidine 2215 with asparagine.
Molecular consequence: missense variant.
Genome position (GRCh38, 1-based): chr2:21,010,225, G>T on the plus strand (C>A on the coding strand, the complement: APOB is on the minus strand). VCF-style: chr2-21010225-G-T. GRCh37 (hg19) VCF-style: chr2-21233097-G-T.
Other names: short protein forms H2215N.
Identifiers: ClinVar variation 1008170 (VCV001008170.11), dbSNP rs1196608852, ClinGen allele CA346001212.